The following is an entry in ClinVar:

NM_020964.3(EPG5):c.532A>G (p.Ser178Gly)

Gene: EPG5 (ectopic P-granules 5 autophagy tethering factor; minus strand). Cytogenetic location: 18q21.1.
Variant type: single nucleotide variant.
Coding change: c.532A>G on transcript NM_020964.3 (MANE Select); coding-DNA position 532, A replaced by G.
Protein change: p.Ser178Gly; replaces serine 178 with glycine.
Molecular consequence: missense variant.
Genome position (GRCh38, 1-based): chr18:45,954,870, T>C on the plus strand (A>G on the coding strand, the complement: EPG5 is on the minus strand). VCF-style: chr18-45954870-T-C. GRCh37 (hg19) VCF-style: chr18-43534836-T-C.
Other names: c.532A>G, p.Ser178Gly (NM_001410858.1, NM_001410859.1); short protein forms S178G.
Identifiers: ClinVar variation 3898636 (VCV003898636.7).
Genomic context (GRCh38, chr18:45,954,870, plus strand): 5'-GCAAGCCAACATTCTGTGGCACCTCTGAAGAACAAACCAGGCCTTGTTTGTCTTCTTTAC[T>C]ATTCTGAGTTTCTCTGACTTGTATATTTTCCATTGCTGGCTGAGTATAAGAAAAATTAGA-3'
Protein context (NP_066015.2, residues 168-188): ENIQVRETQN[Ser178Gly]KEDKQGLVCS

ClinVar aggregate classification (germline): Uncertain significance (1 of 4 stars; one submission).

Submission:

CeGaT Center for Human Genetics Tuebingen
Classification: Uncertain significance. Last evaluated: 2025-04-01. Review status: criteria provided, single submitter. Criteria: CeGaT Center For Human Genetics Tuebingen Variant Classification Criteria Version 2. Collection method: clinical testing. Allele origin: germline. Affected: yes. Observed: 1 variant allele.
Comment: EPG5: PM2, BP4